The following is an entry in ClinVar:

ClinVar aggregate classification (germline): Likely pathogenic (1 of 4 stars; one submission).

gnomAD v4.1: 1 of 1,608,134 alleles (0.000062%); highest among the groups gnomAD compares: African/African-American, 0.0013%; no homozygotes.

Submission:

Labcorp Genetics (formerly Invitae), Labcorp
Classification: Likely pathogenic. Last evaluated: 2024-07-03. Review status: criteria provided, single submitter. Criteria: Invitae Variant Classification Sherloc (09022015). Collection method: clinical testing. Allele origin: germline.
Comment: This sequence change affects a donor splice site in intron 5 of the ESRRB gene. It is expected to disrupt RNA splicing. Variants that disrupt the donor or acceptor splice site typically lead to a loss of protein function (PMID: 16199547), and loss-of-function variants in ESRRB are known to be pathogenic (PMID: 18179891). This variant is present in population databases (no rsID available, gnomAD 0.01%). This variant has not been reported in the literature in individuals affected with ESRRB-related conditions. Algorithms developed to predict the effect of sequence changes on RNA splicing suggest that this variant may disrupt the consensus splice site. In summary, the currently available evidence indicates that the variant is pathogenic, but additional data are needed to prove that conclusively. Therefore, this variant has been classified as Likely Pathogenic.

Literature cited by the submitters: PubMed 16199547; PubMed 18179891.

NM_001379180.1(ESRRB):c.577+2T>C

Gene: ESRRB (estrogen related receptor beta; plus strand). Cytogenetic location: 14q24.3.
Variant type: single nucleotide variant.
Coding change: c.577+2T>C on transcript NM_001379180.1 (MANE Select); the canonical splice donor site of the intron after coding-DNA position 577, T replaced by C.
Molecular consequence: splice donor variant.
Genome position (GRCh38, 1-based): chr14:76,462,663, T>C. VCF-style: chr14-76462663-T-C. GRCh37 (hg19) VCF-style: chr14-76929006-T-C.
Other names: c.529+2T>C (NM_001411038.1); c.514+2T>C (NM_004452.4).
Identifiers: ClinVar variation 3606848 (VCV003606848.2).